The following is an entry in ClinVar:

ClinVar aggregate classification (germline): Conflicting classifications of pathogenicity. Review status: criteria provided, conflicting classifications (1 of 4 stars). 2 submissions from 2 submitters: Uncertain significance (1); Likely benign (1). Last evaluated 2024-06-11.

Conditions:
Primary ciliary dyskinesia. Also called: Ciliary dyskinesia. Identifiers: Orphanet 244, MedGen C0008780, MONDO:0016575, HP:0012265.

Allele frequency attached by ClinVar (database versions not stated): gnomAD 0.00002; TOPMed 0.00002.

Submissions (2):

Ambry Genetics
Classification: Likely benign for Primary ciliary dyskinesia. Last evaluated: 2024-06-11. Review status: criteria provided, single submitter. Criteria: Ambry Variant Classification Scheme 2023. Collection method: clinical testing. Allele origin: germline.

Labcorp Genetics (formerly Invitae), Labcorp
Classification: Uncertain significance for Primary ciliary dyskinesia. Last evaluated: 2022-08-16. Review status: criteria provided, single submitter. Criteria: Invitae Variant Classification Sherloc (09022015). Collection method: clinical testing. Allele origin: germline.
Comment: In summary, the available evidence is currently insufficient to determine the role of this variant in disease. Therefore, it has been classified as a Variant of Uncertain Significance. This sequence change replaces proline, which is neutral and non-polar, with serine, which is neutral and polar, at codon 253 of the DNAAF3 protein (p.Pro253Ser). This variant is present in population databases (no rsID available, gnomAD 0.01%). This variant has not been reported in the literature in individuals affected with DNAAF3-related conditions. Algorithms developed to predict the effect of missense changes on protein structure and function are either unavailable or do not agree on the potential impact of this missense change (SIFT: "Deleterious"; PolyPhen-2: "Possibly Damaging"; Align-GVGD: "Class C0").

NM_001256715.2(DNAAF3):c.553C>T (p.Pro185Ser)

Genes: DNAAF3 (dynein axonemal assembly factor 3; minus strand), DNAAF3-AS1 (DNAAF3 antisense RNA 1; plus strand). Cytogenetic location: 19q13.42.
Variant type: single nucleotide variant.
Coding change: c.553C>T on transcript NM_001256715.2 (MANE Select); coding-DNA position 553, C replaced by T.
Protein change: p.Pro185Ser; replaces proline 185 with serine.
Molecular consequence: missense variant.
Genome position (GRCh38, 1-based): chr19:55,161,753, G>A on the plus strand (C>T on the coding strand, the complement: DNAAF3 is on the minus strand). VCF-style: chr19-55161753-G-A. GRCh37 (hg19) VCF-style: chr19-55673121-G-A.
Other names: c.757C>T, p.Pro253Ser (NM_001256714.1); c.391C>T, p.Pro131Ser (NM_001256716.2); c.694C>T, p.Pro232Ser (NM_178837.4); short protein forms P131S, P232S, P185S, P253S.
Identifiers: ClinVar variation 2149076 (VCV002149076.5), dbSNP rs1018709493, ClinGen allele CA310153960.